The following is an entry in ClinVar:

NM_001110556.2(FLNA):c.-116C>G

Gene: FLNA (filamin A; minus strand). Cytogenetic location: Xq28.
Variant type: single nucleotide variant.
Coding change: c.-116C>G on transcript NM_001110556.2 (MANE Select); 116 bases upstream of the start codon, C replaced by G.
Molecular consequence: 5 prime UTR variant.
Genome position (GRCh38, 1-based): chrX:154,371,361, G>C on the plus strand (C>G on the coding strand, the complement: FLNA is on the minus strand). VCF-style: chrX-154371361-G-C. GRCh37 (hg19) VCF-style: chrX-153599729-G-C.
Other names: c.-116C>G (NM_001456.4).
Identifiers: ClinVar variation 681370 (VCV000681370.4), dbSNP rs1052147930, ClinGen allele CA337285588.
Genomic context (GRCh38, chrX:154,371,361, plus strand): 5'-CTTTAATTAAAGTCGCAGGCACCTAGGCGCGCGGGAGGCGAGGCAGGGAGCAGAGGTTGC[G>C]CTGCGGAGAGAGCGAGCCCTTTAAATGCGGGAGGAGGGCGGGGCCAGAGGGCGGGCCTCC-3'

ClinVar aggregate classification (germline): Likely benign (1 of 4 stars; one submission).

Allele frequency attached by ClinVar (database versions not stated): gnomAD 0.00006 and 0.00007; TOPMed 0.00007; gnomAD exomes 0.00014.
gnomAD v4.1: 123 of 959,778 alleles (0.013%); highest among the groups gnomAD compares: South Asian, 0.17%; no homozygotes.

Submission:

GeneDx
Classification: Likely benign. Last evaluated: 2024-02-05. Review status: criteria provided, single submitter. Criteria: GeneDx Variant Classification Process June 2021. Collection method: clinical testing. Allele origin: germline. Affected: yes.
Comment: See Variant Classification Assertion Criteria.